The following is an entry in ClinVar:

ClinVar aggregate classification (germline): Uncertain significance (1 of 4 stars; one submission).

Conditions:
Familial cancer of breast. Also called: hereditary breast carcinoma; BREAST CANCER, FAMILIAL; Hereditary breast cancer. Identifiers: Orphanet 227535, MedGen C0346153, MONDO:0016419, OMIM 114480. Disease mechanism: loss of function.

Allele frequency attached by ClinVar (database versions not stated): TOPMed below 0.00001; gnomAD 0.00001.
gnomAD v4.1: 1 of 1,614,040 alleles (0.000062%); highest among the groups gnomAD compares: African/African-American, 0.0013%; no homozygotes.

Submission:

Labcorp Genetics (formerly Invitae), Labcorp
Classification: Uncertain significance for Familial cancer of breast. Last evaluated: 2023-11-24. Review status: criteria provided, single submitter. Criteria: Invitae Variant Classification Sherloc (09022015). Collection method: clinical testing. Allele origin: germline.
Comment: This sequence change replaces serine, which is neutral and polar, with leucine, which is neutral and non-polar, at codon 518 of the PALB2 protein (p.Ser518Leu). This variant is not present in population databases (gnomAD no frequency). This variant has not been reported in the literature in individuals affected with PALB2-related conditions. ClinVar contains an entry for this variant (Variation ID: 835904). Advanced modeling of protein sequence and biophysical properties (such as structural, functional, and spatial information, amino acid conservation, physicochemical variation, residue mobility, and thermodynamic stability) has been performed at Invitae for this missense variant, however the output from this modeling did not meet the statistical confidence thresholds required to predict the impact of this variant on PALB2 protein function. In summary, the available evidence is currently insufficient to determine the role of this variant in disease. Therefore, it has been classified as a Variant of Uncertain Significance.

NM_024675.4(PALB2):c.1553C>T (p.Ser518Leu)

Gene: PALB2 (partner and localizer of BRCA2; minus strand). Cytogenetic location: 16p12.2.
Variant type: single nucleotide variant.
Coding change: c.1553C>T on transcript NM_024675.4 (MANE Select); coding-DNA position 1553, C replaced by T.
Protein change: p.Ser518Leu; replaces serine 518 with leucine.
Molecular consequence: missense variant.
Genome position (GRCh38, 1-based): chr16:23,634,993, G>A on the plus strand (C>T on the coding strand, the complement: PALB2 is on the minus strand). VCF-style: chr16-23634993-G-A. GRCh37 (hg19) VCF-style: chr16-23646314-G-A.
Other names: short protein forms S518L.
Identifiers: ClinVar variation 835904 (VCV000835904.11), dbSNP rs1060502805, ClinGen allele CA395130803.